The following is an entry in ClinVar:

NM_000463.3(UGT1A1):c.26G>C (p.Arg9Pro)

Genes: UGT1A (UDP glucuronosyltransferase family 1 member A complex locus; plus strand), UGT1A1 (UDP glucuronosyltransferase family 1 member A1; plus strand), UGT1A10 (UDP glucuronosyltransferase family 1 member A10; plus strand), UGT1A3 (UDP glucuronosyltransferase family 1 member A3; plus strand), UGT1A4 (UDP glucuronosyltransferase family 1 member A4; plus strand) and 5 more. Cytogenetic location: 2q37.1.
Variant type: single nucleotide variant.
Coding change: c.26G>C on transcript NM_000463.3 (MANE Select); coding-DNA position 26, G replaced by C.
Protein change: p.Arg9Pro; replaces arginine 9 with proline.
Molecular consequence: missense variant. On other transcripts: intron variant (9).
Genome position (GRCh38, 1-based): chr2:233,760,313, G>C. VCF-style: chr2-233760313-G-C. GRCh37 (hg19) VCF-style: chr2-234668959-G-C.
Other names: c.856-6721G>C (NM_019076.5, NM_019075.4, NM_021027.3 and 1 more transcripts); c.61-6721G>C (NM_205862.3); c.862-6721G>C (NM_001072.4); c.868-6721G>C (NM_019078.2, NM_007120.3, NM_019093.4); short protein forms R9P.
Identifiers: ClinVar variation 4999177 (VCV004999177.1).

ClinVar aggregate classification (germline): Uncertain significance (1 of 4 stars; one submission).

Conditions:
UGT1A1-related disorder. Also called: UGT1A1-related disorders; UGT1A1-related condition.

Submission:

PreventionGenetics, part of Exact Sciences
Classification: Uncertain significance for UGT1A1-related condition. Last evaluated: 2024-11-09. Review status: criteria provided, single submitter. Criteria: ACMG Guidelines, 2015. Collection method: clinical testing. Allele origin: germline.
Comment: The UGT1A1 c.26G>C variant is predicted to result in the amino acid substitution p.Arg9Pro. To our knowledge, this variant has not been reported in the literature or in a large population database (gnomAD), indicating this variant is rare. At this time, the clinical significance of this variant is uncertain due to the absence of conclusive functional and genetic evidence.